The following is an entry in ClinVar:

ClinVar aggregate classification (germline): Uncertain significance (1 of 4 stars; one submission).

Conditions:
Amyotrophic lateral sclerosis type 10 (ALS10). Also called: TARDBP-Related Amyotrophic Lateral Sclerosis-Frontotemporal Dementia; AMYOTROPHIC LATERAL SCLEROSIS 10 WITHOUT FRONTOTEMPORAL DEMENTIA AND WITH TDP43 INCLUSIONS; AMYOTROPHIC LATERAL SCLEROSIS 10 WITH OR WITHOUT FRONTOTEMPORAL DEMENTIA AND WITH TDP43 INCLUSIONS; AMYOTROPHIC LATERAL SCLEROSIS 10 WITH OR WITHOUT FRONTOTEMPORAL DEMENTIA; Amyotrophic lateral sclerosis 10, with or without FTD. Identifiers: Orphanet 275872, Orphanet 803, MedGen C2677565, MONDO:0012790, OMIM 612069.

Allele frequency attached by ClinVar (database versions not stated): gnomAD exomes below 0.00001; TOPMed below 0.00001.
gnomAD v4.1: 6 of 1,613,948 alleles (0.00037%); highest among the groups gnomAD compares: Non-Finnish European, 0.00042%; no homozygotes.

Submission:

Baylor Genetics
Classification: Uncertain significance for Amyotrophic lateral sclerosis type 10. Last evaluated: 2018-05-16. Review status: criteria provided, single submitter. Criteria: ACMG Guidelines, 2015. Collection method: clinical testing. Allele origin: paternal. Affected: yes.
Comment: This variant was determined to be of uncertain significance according to ACMG Guidelines, 2015 [PMID:25741868].

NM_007375.4(TARDBP):c.623G>A (p.Arg208Gln)

Gene: TARDBP (TAR DNA binding protein; plus strand). Cytogenetic location: 1p36.22.
Variant type: single nucleotide variant.
Coding change: c.623G>A on transcript NM_007375.4 (MANE Select); coding-DNA position 623, G replaced by A.
Protein change: p.Arg208Gln; replaces arginine 208 with glutamine.
Molecular consequence: missense variant.
Genome position (GRCh38, 1-based): chr1:11,020,508, G>A. VCF-style: chr1-11020508-G-A. GRCh37 (hg19) VCF-style: chr1-11080565-G-A.
Other names: short protein forms R208Q.
Identifiers: ClinVar variation 1031736 (VCV001031736.1), dbSNP rs1219922877, ClinGen allele CA338362944.